The following is an entry in ClinVar:

ClinVar aggregate classification (germline): Conflicting classifications of pathogenicity. Review status: criteria provided, conflicting classifications (1 of 4 stars). 3 submissions from 3 submitters: Uncertain significance (2); Likely benign (1). Last evaluated 2023-03-23.

Conditions:
Hereditary cancer-predisposing syndrome. Also called: Hereditary neoplastic syndrome; Neoplastic Syndromes, Hereditary; Hereditary Cancer Syndrome; Tumor predisposition. Identifiers: Orphanet 140162, MedGen C0027672, MeSH D009386, MONDO:0015356.
Hereditary breast ovarian cancer syndrome. Also called: BRCA1- and BRCA2-Associated Hereditary Breast and Ovarian Cancer; Hereditary breast and ovarian cancer syndrome; Hereditary breast and ovarian cancer syndrome (HBOC); Hereditary breast and/or ovarian cancer syndrome; Breast and ovarian cancer; Hereditary breast and ovarian cancer. Identifiers: Orphanet 145, MedGen C0677776, MeSH D061325, MONDO:0003582. Disease mechanism: loss of function.

Allele frequency attached by ClinVar (database versions not stated): gnomAD exomes below 0.00001; TOPMed below 0.00001.
gnomAD v4.1: 1 of 1,601,344 alleles (0.000062%); highest among the groups gnomAD compares: Non-Finnish European, 0.000085%; no homozygotes.

Submissions (3):

University of Washington Department of Laboratory Medicine, University of Washington
Classification: Likely benign for Hereditary cancer-predisposing syndrome. Last evaluated: 2023-03-23. Review status: criteria provided, single submitter. Criteria: Dines et al. (Genet Med. 2020). Collection method: curation. Allele origin: germline.
Comment: Missense variant in a coldspot region where missense variants are very unlikely to be pathogenic (PMID:31911673).

BRCA2 exon 11 coldspot. Reclassification based on statistical prior probability.

Labcorp Genetics (formerly Invitae), Labcorp
Classification: Uncertain significance for Hereditary breast ovarian cancer syndrome. Last evaluated: 2021-07-23. Review status: criteria provided, single submitter. Criteria: Invitae Variant Classification Sherloc (09022015). Collection method: clinical testing. Allele origin: germline.
Comment: This sequence change replaces leucine with valine at codon 1462 of the BRCA2 protein (p.Leu1462Val). The leucine residue is weakly conserved and there is a small physicochemical difference between leucine and valine. This variant is not present in population databases (ExAC no frequency). This variant has not been reported in the literature in individuals with BRCA2-related disease. Algorithms developed to predict the effect of missense changes on protein structure and function are either unavailable or do not agree on the potential impact of this missense change (SIFT: "Tolerated"; PolyPhen-2: "Possibly Damaging"; Align-GVGD: "Class C0"). In summary, the available evidence is currently insufficient to determine the role of this variant in disease. Therefore, it has been classified as a Variant of Uncertain Significance.

Ambry Genetics
Classification: Uncertain significance for Hereditary cancer-predisposing syndrome. Last evaluated: 2018-12-10. Review status: criteria provided, single submitter. Criteria: Ambry Variant Classification Scheme 2023. Collection method: clinical testing. Allele origin: germline.
Comment: The p.L1462V variant (also known as c.4384T>G), located in coding exon 10 of the BRCA2 gene, results from a T to G substitution at nucleotide position 4384. The leucine at codon 1462 is replaced by valine, an amino acid with highly similar properties. This amino acid position is not well conserved in available vertebrate species. In addition, this alteration is predicted to be tolerated by in silico analysis. Since supporting evidence is limited at this time, the clinical significance of this alteration remains unclear.

NM_000059.4(BRCA2):c.4384T>G (p.Leu1462Val)

Gene: BRCA2 (BRCA2 DNA repair associated; plus strand). Cytogenetic location: 13q13.1.
Variant type: single nucleotide variant.
Coding change: c.4384T>G on transcript NM_000059.4 (MANE Select); coding-DNA position 4384, T replaced by G.
Protein change: p.Leu1462Val; replaces leucine 1462 with valine.
Molecular consequence: missense variant.
Genome position (GRCh38, 1-based): chr13:32,338,739, T>G. VCF-style: chr13-32338739-T-G. GRCh37 (hg19) VCF-style: chr13-32912876-T-G.
Other names: short protein forms L1462V.
Identifiers: ClinVar variation 659467 (VCV000659467.14), dbSNP rs1593902198, ClinGen allele CA387781064.